The following is an entry in ClinVar:

ClinVar aggregate classification (germline): Uncertain significance. Review status: criteria provided, multiple submitters, no conflicts (2 of 4 stars). 2 submissions from 2 submitters: Uncertain significance (2). Last evaluated 2025-10-07.

Conditions:
Hereditary cancer-predisposing syndrome. Also called: Neoplastic Syndromes, Hereditary; Hereditary neoplastic syndrome; Tumor predisposition; Hereditary Cancer Syndrome. Identifiers: Orphanet 140162, MedGen C0027672, MeSH D009386, MONDO:0015356.
Neuroblastoma, susceptibility to, 3. Also called: ALK-Related Neuroblastic Tumor Susceptibility. Identifiers: Orphanet 635, MedGen C2751681, MONDO:0013083, OMIM 613014.

Allele frequency attached by ClinVar (database versions not stated): gnomAD exomes below 0.00001; ExAC 0.00001.
gnomAD v4.1: 6 of 1,614,076 alleles (0.00037%); highest among the groups gnomAD compares: South Asian, 0.0033%; no homozygotes.

Submissions (2):

Ambry Genetics
Classification: Uncertain significance for Hereditary cancer-predisposing syndrome. Last evaluated: 2025-10-07. Review status: criteria provided, single submitter. Criteria: Ambry Variant Classification Scheme 2023. Collection method: clinical testing. Allele origin: germline.
Comment: The p.V956I variant (also known as c.2866G>A), located in coding exon 17 of the ALK gene, results from a G to A substitution at nucleotide position 2866. The valine at codon 956 is replaced by isoleucine, an amino acid with highly similar properties. This amino acid position is well conserved in available vertebrate species. In silico splice site analysis predicts that this alteration may result in the creation or strengthening of a novel splice acceptor site. In addition, this alteration is predicted to be tolerated by in silico analysis. Based on the available evidence, the clinical significance of this variant remains unclear.

Labcorp Genetics (formerly Invitae), Labcorp
Classification: Uncertain significance for Neuroblastoma, susceptibility to, 3. Last evaluated: 2025-05-04. Review status: criteria provided, single submitter. Criteria: Invitae Variant Classification Sherloc (09022015). Collection method: clinical testing. Allele origin: germline.
Comment: This sequence change replaces valine, which is neutral and non-polar, with isoleucine, which is neutral and non-polar, at codon 956 of the ALK protein (p.Val956Ile). This variant is present in population databases (rs769837053, gnomAD 0.0009%). This variant has not been reported in the literature in individuals affected with ALK-related conditions. ClinVar contains an entry for this variant (Variation ID: 843188). An algorithm developed to predict the effect of missense changes on protein structure and function outputs the following: PolyPhen-2: "Benign". The isoleucine amino acid residue is found in multiple mammalian species, which suggests that this missense change does not adversely affect protein function. In summary, the available evidence is currently insufficient to determine the role of this variant in disease. Therefore, it has been classified as a Variant of Uncertain Significance.

NM_004304.5(ALK):c.2866G>A (p.Val956Ile)

Gene: ALK (ALK receptor tyrosine kinase; minus strand). Cytogenetic location: 2p23.2.
Variant type: single nucleotide variant.
Coding change: c.2866G>A on transcript NM_004304.5 (MANE Select); coding-DNA position 2866, G replaced by A.
Protein change: p.Val956Ile; replaces valine 956 with isoleucine.
Molecular consequence: missense variant.
Genome position (GRCh38, 1-based): chr2:29,227,622, C>T on the plus strand (G>A on the coding strand, the complement: ALK is on the minus strand). VCF-style: chr2-29227622-C-T. GRCh37 (hg19) VCF-style: chr2-29450488-C-T.
Other names: short protein forms V956I.
Identifiers: ClinVar variation 843188 (VCV000843188.10), dbSNP rs769837053, ClinGen allele CA1594158.